The following is an entry in ClinVar:

ClinVar aggregate classification (germline): Uncertain significance. Review status: criteria provided, multiple submitters, no conflicts (2 of 4 stars). 2 submissions from 2 submitters: Uncertain significance (2). Last evaluated 2025-10-29.

Allele frequency attached by ClinVar (database versions not stated): ExAC 0.00001.

Submissions (2):

Ambry Genetics
Classification: Uncertain significance. Last evaluated: 2025-10-29. Review status: criteria provided, single submitter. Criteria: Ambry Variant Classification Scheme 2023. Collection method: clinical testing. Allele origin: germline.

Labcorp Genetics (formerly Invitae), Labcorp
Classification: Uncertain significance. Last evaluated: 2025-01-06. Review status: criteria provided, single submitter. Criteria: Invitae Variant Classification Sherloc (09022015). Collection method: clinical testing. Allele origin: germline.
Comment: This sequence change replaces leucine, which is neutral and non-polar, with phenylalanine, which is neutral and non-polar, at codon 463 of the DSCAML1 protein (p.Leu463Phe). This variant is present in population databases (rs762441610, gnomAD 0.003%). This variant has not been reported in the literature in individuals affected with DSCAML1-related conditions. ClinVar contains an entry for this variant (Variation ID: 1925983). An algorithm developed to predict the effect of missense changes on protein structure and function (PolyPhen-2) suggests that this variant is likely to be disruptive. In summary, the available evidence is currently insufficient to determine the role of this variant in disease. Therefore, it has been classified as a Variant of Uncertain Significance.

NM_020693.4(DSCAML1):c.1207C>T (p.Leu403Phe)

Gene: DSCAML1 (DS cell adhesion molecule like 1; minus strand). Cytogenetic location: 11q23.3.
Variant type: single nucleotide variant.
Coding change: c.1207C>T on transcript NM_020693.4 (MANE Select); coding-DNA position 1207, C replaced by T.
Protein change: p.Leu403Phe; replaces leucine 403 with phenylalanine.
Molecular consequence: missense variant.
Genome position (GRCh38, 1-based): chr11:117,521,136, G>A on the plus strand (C>T on the coding strand, the complement: DSCAML1 is on the minus strand). VCF-style: chr11-117521136-G-A. GRCh37 (hg19) VCF-style: chr11-117391851-G-A.
Other names: c.1207C>T, p.Leu403Phe (NM_001367904.1); c.799C>T, p.Leu267Phe (NM_001367905.1); c.1387C>T (NM_020693.2); short protein forms L267F, L403F.
Identifiers: ClinVar variation 1925983 (VCV001925983.8), dbSNP rs762441610, ClinGen allele CA6297342.